The following continues an entry in ClinVar:

NM_000435.3(NOTCH3):c.1759C>T (p.Arg587Cys)

Gene: NOTCH3. ClinVar aggregate classification (germline): Pathogenic/Likely pathogenic. Pathogenic (7); Likely pathogenic (3).

Submissions 8 to 12 of 12:

Athena Diagnostics
Classification: Pathogenic. Last evaluated: 2022-12-20. Review status: criteria provided, single submitter. Criteria: Athena Diagnostics Criteria. Collection method: clinical testing. Allele origin: unknown.
Comment: The frequency of this variant in the general population is consistent with pathogenicity. This variant has been identified in multiple unrelated individuals with CADASIL. This variant alters a critical location within the protein, and is expected to severely affect function and cause disease. Greater than 90% of NOTCH3 pathogenic variants associated with CADASIL involve the gain or loss of a cysteine residue within the epidermal growth factor (EGF)-like repeat domain (PMID: 32457593, 20301673).

Dasa
Classification: Likely pathogenic for Cerebral arteriopathy, autosomal dominant, with subcortical infarcts and leukoencephalopathy, type 1. Last evaluated: 2022-02-05. Review status: criteria provided, single submitter. Criteria: ACMG Guidelines, 2015. Collection method: clinical testing. Allele origin: germline. Affected: yes. Observed: 1 variant allele.
Comment: The c.1759C>T;p.(Arg587Cys) missense variant has been observed in affected individual(s) and ClinVar contains an entry for this variant (PMID: 26308724; 16256149; 32122318; 28341077; 16717210; 27844030; 28860774) - PS4. The variant is present at low allele frequencies population databases (rs754554486 – gnomAD 0.0001971%; ABraOM no frequency) - PM2_supporting. The variant co-segregated with disease in multiple affected family members (PMID: 32122318; 16256149) - PP1. Missense variant in NOTCH3 that has a low rate of benign missense variation and in which missense variants are a common mechanism of disease - PP2. Multiple lines of computational evidence support a deleterious effect on the gene or gene product - PP3. In summary, the currently available evidence indicates that the variant is likely pathogenic.

Juno Genomics, Hangzhou Juno Genomics, Inc
Classification: Pathogenic for Cerebral arteriopathy, autosomal dominant, with subcortical infarcts and leukoencephalopathy, type 1. Review status: criteria provided, single submitter. Criteria: ACMG Guidelines, 2015. Collection method: clinical testing. Allele origin: germline.
Comment: Absent from controls (or at extremely low frequency if recessive) in Genome Aggregation Database.;Multiple lines of computational evidence support a deleterious effect on the gene or gene product.;Located in a mutational hot spot and/or critical and well-established functional domain without benign variation.;The prevalence of the variant in affected individuals is significantly increased compared to the prevalence in controls.;Co-segregation with disease in multiple affected family members.

Molecular Genetics Laboratory, BC Children's and BC Women's Hospitals
Classification: Likely pathogenic for Cerebral arteriopathy with subcortical infarcts and leukoencephalopathy. Last evaluated: 2025-07-07. Review status: no assertion criteria provided. Criteria: ACMG Guidelines, 2015. Collection method: clinical testing. Allele origin: germline. Affected: yes. Not counted in ClinVar's aggregate classification.

OLLIN Analises Genomicas, OLLIN
Classification: Uncertain significance for Lateral meningocele syndrome. Last evaluated: 2026-02-13. Review status: flagged submission. Criteria: ACMG Guidelines 2015 PMID 25741868. Collection method: clinical testing. Allele origin: germline. Observed: 1 variant allele. Not counted in ClinVar's aggregate classification.
Comment: PP2, PP3, BS2
ClinVar note: Reason: Outlier claim with insufficient supporting evidence

Literature cited by the submitters: PubMed 16717210 (cited by 6 submitters); PubMed 26002683 (cited by 3 submitters); PubMed 26305465 (cited by Labcorp Genetics (formerly Invitae), Labcorp and Athena Diagnostics); PubMed 26308724 (cited by 3 submitters); PubMed 28341077 (cited by 4 submitters); PubMed 28710804 (cited by 3 submitters); PubMed 28860774 (cited by 3 submitters); PubMed 31443546 (cited by Labcorp Genetics (formerly Invitae), Labcorp and Athena Diagnostics); PubMed 32277177 (cited by Labcorp Genetics (formerly Invitae), Labcorp and Athena Diagnostics); PubMed 27844030 (cited by Mayo Clinic Laboratories, Mayo Clinic and Dasa); PubMed 32005694 (cited by Mayo Clinic Laboratories, Mayo Clinic); PubMed 32122318 (cited by 3 submitters); PubMed 35781912 (cited by Mayo Clinic Laboratories, Mayo Clinic); PubMed 36047879 (cited by Mayo Clinic Laboratories, Mayo Clinic); PubMed 36380532 (cited by Mayo Clinic Laboratories, Mayo Clinic); PubMed 36604800 (cited by Mayo Clinic Laboratories, Mayo Clinic); PubMed 37152446 (cited by Mayo Clinic Laboratories, Mayo Clinic); PubMed 37479695 (cited by Mayo Clinic Laboratories, Mayo Clinic); PubMed 40783530 (cited by Mayo Clinic Laboratories, Mayo Clinic); PubMed 31915071 (cited by 3billion); PubMed 16256149 (cited by Athena Diagnostics and Dasa).